The following is an entry in ClinVar:

NM_006939.4(SOS2):c.1847A>G (p.Tyr616Cys)

Gene: SOS2 (SOS Ras/Rho guanine nucleotide exchange factor 2; minus strand). Cytogenetic location: 14q21.3.
Variant type: single nucleotide variant.
Coding change: c.1847A>G on transcript NM_006939.4 (MANE Select); coding-DNA position 1847, A replaced by G.
Protein change: p.Tyr616Cys; replaces tyrosine 616 with cysteine.
Molecular consequence: missense variant.
Genome position (GRCh38, 1-based): chr14:50,159,436, T>C on the plus strand (A>G on the coding strand, the complement: SOS2 is on the minus strand). VCF-style: chr14-50159436-T-C. GRCh37 (hg19) VCF-style: chr14-50626154-T-C.
Other names: c.1748A>G, p.Tyr583Cys (NM_001411020.1); short protein forms Y616C, Y583C.
Identifiers: ClinVar variation 5030032 (VCV005030032.1).
Genomic context (GRCh38, chr14:50,159,436, plus strand): 5'-AAAAAGCTTTTGGGTCCCAGGCCCTAGGTCAGCAGTTGTAATGAGTTTCACATACCTGCA[T>C]ACATATGATATGTTAACCTTTCAATTAATTTCACTACAGTTCCTCCTTTAATAATGGGGA-3'
Protein context (NP_008870.2, residues 606-626): KLIERLTYHM[Tyr616Cys]ADPNFVRTFL

ClinVar aggregate classification (germline): Uncertain significance (1 of 4 stars; one submission).

Conditions:
Cardiovascular phenotype. Identifiers: MedGen CN230736.

Submission:

Ambry Genetics
Classification: Uncertain significance for Cardiovascular phenotype. Last evaluated: 2026-08-08. Review status: criteria provided, single submitter. Criteria: Ambry Variant Classification Scheme 2023. Collection method: clinical testing. Allele origin: germline.
Comment: The p.Y616C variant (also known as c.1847A>G), located in coding exon 10 of the SOS2 gene, results from an A to G substitution at nucleotide position 1847. The tyrosine at codon 616 is replaced by cysteine, an amino acid with highly dissimilar properties. This amino acid position is conserved. In addition, this alteration is predicted to be deleterious by in silico analysis. Based on the available evidence, the clinical significance of this variant remains unclear.